The following is an entry in ClinVar:

NM_001042492.3(NF1):c.4631C>A (p.Ala1544Glu)

Gene: NF1 (neurofibromin 1; plus strand). Cytogenetic location: 17q11.2.
Variant type: single nucleotide variant.
Coding change: c.4631C>A on transcript NM_001042492.3 (MANE Select); coding-DNA position 4631, C replaced by A.
Protein change: p.Ala1544Glu; replaces alanine 1544 with glutamic acid.
Molecular consequence: missense variant.
Genome position (GRCh38, 1-based): chr17:31,261,764, C>A. VCF-style: chr17-31261764-C-A. GRCh37 (hg19) VCF-style: chr17-29588782-C-A.
Other names: c.4568C>A, p.Ala1523Glu (NM_000267.4); short protein forms A1523E, A1544E.
Identifiers: ClinVar variation 492882 (VCV000492882.7), dbSNP rs1555619015, ClinGen allele CA399000288.

ClinVar aggregate classification (germline): Uncertain significance. Review status: criteria provided, multiple submitters, no conflicts (2 of 4 stars). 3 submissions from 3 submitters: Uncertain significance (2). 1 of the submissions does not count toward it. Last evaluated 2023-04-28.

Conditions:
Neurofibromatosis, type 1 (NF1). Also called: Peripheral type neurofibromatosis; VON RECKLINGHAUSEN DISEASE; Neurofibromatosis, type I; NEUROFIBROMATOSIS, TYPE I, SOMATIC. Identifiers: Orphanet 636, MedGen C0027831, MONDO:0018975, OMIM 162200. Disease mechanism: loss of function.

Submissions (3):

GeneDx
Classification: Uncertain significance. Last evaluated: 2023-04-28. Review status: criteria provided, single submitter. Criteria: GeneDx Variant Classification Process June 2021. Collection method: clinical testing. Allele origin: germline. Affected: yes.
Comment: Not observed at significant frequency in large population cohorts (gnomAD); In silico analysis supports that this missense variant has a deleterious effect on protein structure/function; Has not been previously published as pathogenic or benign to our knowledge; This variant is associated with the following publications: (PMID: 22807134)

Labcorp Genetics (formerly Invitae), Labcorp
Classification: Uncertain significance for Neurofibromatosis, type 1. Last evaluated: 2023-03-25. Review status: criteria provided, single submitter. Criteria: Invitae Variant Classification Sherloc (09022015). Collection method: clinical testing. Allele origin: germline.
Comment: ClinVar contains an entry for this variant (Variation ID: 492882). This sequence change replaces alanine, which is neutral and non-polar, with glutamic acid, which is acidic and polar, at codon 1523 of the NF1 protein (p.Ala1523Glu). This variant is not present in population databases (gnomAD no frequency). This variant has not been reported in the literature in individuals affected with NF1-related conditions. Advanced modeling of protein sequence and biophysical properties (such as structural, functional, and spatial information, amino acid conservation, physicochemical variation, residue mobility, and thermodynamic stability) performed at Invitae indicates that this missense variant is expected to disrupt NF1 protein function. In summary, the available evidence is currently insufficient to determine the role of this variant in disease. Therefore, it has been classified as a Variant of Uncertain Significance.

Clinical Molecular Genetics Laboratory, Johns Hopkins All Children's Hospital
Classification: Uncertain significance for Neurofibromatosis, type 1. Last evaluated: 2015-03-31. Review status: no assertion criteria provided. Collection method: clinical testing. Allele origin: germline. Affected: yes. Not counted in ClinVar's aggregate classification.